The following is an entry in ClinVar:

ClinVar aggregate classification (germline): Uncertain significance. Review status: criteria provided, multiple submitters, no conflicts (2 of 4 stars). 2 submissions from 2 submitters: Uncertain significance (2). Last evaluated 2026-02-12.

Conditions:
Dyskeratosis congenita, autosomal recessive 5 (DKCB5). Identifiers: MedGen C3554656, MONDO:0014076, OMIM 615190.
Pulmonary fibrosis and/or bone marrow failure, Telomere-related, 3. Also called: PULMONARY FIBROSIS AND/OR BONE MARROW FAILURE SYNDROME, TELOMERE-RELATED, 3. Identifiers: Orphanet 2032, MedGen C4225346, MONDO:0014613, OMIM 616373.

gnomAD v4.1: 4 of 1,609,178 alleles (0.00025%); highest among the groups gnomAD compares: South Asian, 0.0033%; no homozygotes.

Submissions (2):

Women's Health and Genetics/Laboratory Corporation of America, LabCorp
Classification: Uncertain significance. Last evaluated: 2026-02-12. Review status: criteria provided, single submitter. Criteria: LabCorp Variant Classification Summary - May 2015. Collection method: clinical testing. Allele origin: germline.
Comment: Variant summary: RTEL1 c.2723C>G (p.Pro908Arg) results in a non-conservative amino acid change in the encoded protein sequence. Algorithms developed to predict the effect of missense changes on protein structure and function are either unavailable or do not agree on the potential impact of this missense change. Consensus agreement among computation tools predict no significant impact on normal splicing. However, these predictions have yet to be confirmed by functional studies. The variant allele was found at a frequency of 4.1e-06 in 245158 control chromosomes. The available data on variant occurrences in the general population are insufficient to allow any conclusion about variant significance. c.2723C>G has been observed in an individual affected with RTEL1-related telomeropathy without clear evidence for causality (Cardoso_2017). These report(s) do not provide unequivocal conclusions about association of the variant with Dyskeratosis Congenita (Hoyeraal Hreidarsson Syndrome). To our knowledge, no experimental evidence demonstrating an impact on protein function has been reported. The following publication have been ascertained in the context of this evaluation (PMID: 28495916). ClinVar contains an entry for this variant (Variation ID: 2416428). Based on the evidence outlined above, the variant was classified as uncertain significance.

Labcorp Genetics (formerly Invitae), Labcorp
Classification: Uncertain significance for Dyskeratosis congenita, autosomal recessive 5; Pulmonary fibrosis and/or bone marrow failure, Telomere-related, 3. Last evaluated: 2022-06-17. Review status: criteria provided, single submitter. Criteria: Invitae Variant Classification Sherloc (09022015). Collection method: clinical testing. Allele origin: germline.
Comment: In summary, the available evidence is currently insufficient to determine the role of this variant in disease. Therefore, it has been classified as a Variant of Uncertain Significance. Algorithms developed to predict the effect of missense changes on protein structure and function output the following: SIFT: "Tolerated"; PolyPhen-2: "Benign"; Align-GVGD: "Class C0". The arginine amino acid residue is found in multiple mammalian species, which suggests that this missense change does not adversely affect protein function. This variant has not been reported in the literature in individuals affected with RTEL1-related conditions. This variant is present in population databases (rs199698251, gnomAD 0.003%). This sequence change replaces proline, which is neutral and non-polar, with arginine, which is basic and polar, at codon 884 of the RTEL1 protein (p.Pro884Arg).

Literature cited by the submitters: PubMed 28495916 (cited by Women's Health and Genetics/Laboratory Corporation of America, LabCorp).

NM_001283009.2(RTEL1):c.2651C>G (p.Pro884Arg)

Genes: RTEL1 (regulator of telomere elongation helicase 1; plus strand), RTEL1-TNFRSF6B (RTEL1-TNFRSF6B readthrough (NMD candidate); plus strand). Cytogenetic location: 20q13.33.
Variant type: single nucleotide variant.
Coding change: c.2651C>G on transcript NM_001283009.2 (MANE Select); coding-DNA position 2651, C replaced by G.
Protein change: p.Pro884Arg; replaces proline 884 with arginine.
Molecular consequence: missense variant. On other transcripts: non-coding transcript variant (1).
Genome position (GRCh38, 1-based): chr20:63,691,836, C>G. VCF-style: chr20-63691836-C-G. GRCh37 (hg19) VCF-style: chr20-62323189-C-G.
Other names: c.1982C>G, p.Pro661Arg (NM_001283010.1); c.2651C>G, p.Pro884Arg (NM_016434.4); c.2723C>G, p.Pro908Arg (NM_032957.5); short protein forms P661R, P884R, P908R.
Identifiers: ClinVar variation 2416428 (VCV002416428.5), dbSNP rs199698251, ClinGen allele CA9965445.